The following is an entry in ClinVar:

ClinVar aggregate classification (germline): Pathogenic (1 of 4 stars; one submission).

Conditions:
Primary ciliary dyskinesia. Also called: Ciliary dyskinesia. Identifiers: Orphanet 244, MedGen C0008780, MONDO:0016575, HP:0012265.

gnomAD v4.1: 1 of 1,551,400 alleles (0.000064%); highest among the groups gnomAD compares: Non-Finnish European, 0.000087%; no homozygotes.

Submission:

Labcorp Genetics (formerly Invitae), Labcorp
Classification: Pathogenic for Primary ciliary dyskinesia. Last evaluated: 2023-09-05. Review status: criteria provided, single submitter. Criteria: Invitae Variant Classification Sherloc (09022015). Collection method: clinical testing. Allele origin: germline.
Comment: This sequence change creates a premature translational stop signal (p.Glu889*) in the DNAH11 gene. It is expected to result in an absent or disrupted protein product. Loss-of-function variants in DNAH11 are known to be pathogenic (PMID: 18022865, 20513915, 22184204). This variant is not present in population databases (gnomAD no frequency). This variant has not been reported in the literature in individuals affected with DNAH11-related conditions. For these reasons, this variant has been classified as Pathogenic.

Literature cited by the submitters: PubMed 18022865; PubMed 20513915; PubMed 22184204.

NM_001277115.2(DNAH11):c.2665G>T (p.Glu889Ter)

Gene: DNAH11 (dynein axonemal heavy chain 11; plus strand). Cytogenetic location: 7p15.3.
Variant type: single nucleotide variant.
Coding change: c.2665G>T on transcript NM_001277115.2 (MANE Select); coding-DNA position 2665, G replaced by T.
Protein change: p.Glu889Ter; replaces glutamic acid 889 with a stop codon.
Molecular consequence: nonsense.
Genome position (GRCh38, 1-based): chr7:21,591,575, G>T. VCF-style: chr7-21591575-G-T. GRCh37 (hg19) VCF-style: chr7-21631193-G-T.
Other names: c.2665G>T, p.Glu889Ter (NM_003777.3); short protein forms E889*.
Identifiers: ClinVar variation 2757787 (VCV002757787.3), dbSNP rs767231963, ClinGen allele CA366943194.